The following is an entry in ClinVar:

NM_058216.3(RAD51C):c.620A>G (p.His207Arg)

Genes: RAD51C (RAD51 paralog C; plus strand), LOC129390903 (MPRA-validated peak2919 silencer; plus strand). Cytogenetic location: 17q22.
Variant type: single nucleotide variant.
Coding change: c.620A>G on transcript NM_058216.3 (MANE Select); coding-DNA position 620, A replaced by G.
Protein change: p.His207Arg; replaces histidine 207 with arginine.
Molecular consequence: missense variant. On other transcripts: non-coding transcript variant (1).
Genome position (GRCh38, 1-based): chr17:58,703,244, A>G. VCF-style: chr17-58703244-A-G. GRCh37 (hg19) VCF-style: chr17-56780605-A-G.
Other names: short protein forms H207R.
Identifiers: ClinVar variation 141663 (VCV000141663.23), dbSNP rs587781921, ClinGen allele CA166075.
Genomic context (GRCh38, chr17:58,703,244, plus strand): 5'-TTGTTGTTTCAGAACACCGAAAAGCTTTGGAGGATTTCACTCTTGATAATATTCTTTCTC[A>G]TATTTATTATTTTCGCTGTCGTGACTACACAGAGTTACTGGCACAAGTTTATCTTCTTCC-3'
Protein context (NP_478123.1, residues 197-217): EDFTLDNILS[His207Arg]IYYFRCRDYT

ClinVar aggregate classification (germline): Conflicting classifications of pathogenicity. Review status: criteria provided, conflicting classifications (1 of 4 stars). 6 submissions from 6 submitters: Uncertain significance (5); Benign (1). Last evaluated 2025-10-27.

Conditions:
Breast and/or ovarian cancer. Identifiers: MedGen CN221562.
Hereditary cancer-predisposing syndrome. Also called: Neoplastic Syndromes, Hereditary; Hereditary Cancer Syndrome; Hereditary neoplastic syndrome; Tumor predisposition. Identifiers: Orphanet 140162, MedGen C0027672, MeSH D009386, MONDO:0015356.
Breast-ovarian cancer, familial, susceptibility to, 3. Also called: RAD51C-Related Breast/Ovarian Cancer. Identifiers: Orphanet 145, MedGen C3150659, MONDO:0013253, OMIM 613399.
Fanconi anemia complementation group O. Also called: RAD51C-Related Fanconi Anemia. Identifiers: Orphanet 84, MedGen C3150653, MONDO:0013248, OMIM 613390.

Allele frequency attached by ClinVar (database versions not stated): gnomAD 0.00001; gnomAD exomes 0.00001; TOPMed 0.00001.
gnomAD v4.1: 12 of 1,608,134 alleles (0.00075%); highest among the groups gnomAD compares: Non-Finnish European, 0.001%; no homozygotes.

Submissions (6):

Labcorp Genetics (formerly Invitae), Labcorp
Classification: Uncertain significance for Fanconi anemia complementation group O. Last evaluated: 2025-10-27. Review status: criteria provided, single submitter. Criteria: Invitae Variant Classification Sherloc (09022015). Collection method: clinical testing. Allele origin: germline.
Comment: This sequence change replaces histidine, which is basic and polar, with arginine, which is basic and polar, at codon 207 of the RAD51C protein (p.His207Arg). This variant is present in population databases (rs587781921, gnomAD 0.007%). This missense change has been observed in individual(s) with ovarian cancer (PMID: 26261251). ClinVar contains an entry for this variant (Variation ID: 141663). Invitae Evidence Modeling of protein sequence and biophysical properties (such as structural, functional, and spatial information, amino acid conservation, physicochemical variation, residue mobility, and thermodynamic stability) indicates that this missense variant is not expected to disrupt RAD51C protein function with a negative predictive value of 80%. In summary, the available evidence is currently insufficient to determine the role of this variant in disease. Therefore, it has been classified as a Variant of Uncertain Significance.

Ambry Genetics
Classification: Benign for Hereditary cancer-predisposing syndrome. Last evaluated: 2025-09-25. Review status: criteria provided, single submitter. Criteria: Ambry Variant Classification Scheme 2023. Collection method: clinical testing. Allele origin: germline.

Baylor Genetics
Classification: Uncertain significance for Breast-ovarian cancer, familial, susceptibility to, 3. Last evaluated: 2024-03-06. Review status: criteria provided, single submitter. Criteria: ACMG Guidelines, 2015. Collection method: clinical testing. Allele origin: unknown.

CHEO Genetics Diagnostic Laboratory, Children's Hospital of Eastern Ontario
Classification: Uncertain significance for Breast and/or ovarian cancer. Last evaluated: 2021-08-31. Review status: criteria provided, single submitter. Criteria: ACMG Guidelines, 2015. Collection method: clinical testing. Allele origin: germline.

Color Diagnostics, LLC DBA Color Health
Classification: Uncertain significance for Hereditary cancer-predisposing syndrome. Last evaluated: 2019-01-16. Review status: criteria provided, single submitter. Criteria: ACMG Guidelines, 2015. Collection method: clinical testing. Allele origin: germline.

GeneDx
Classification: Uncertain significance. Last evaluated: 2015-10-27. Review status: criteria provided, single submitter. Criteria: GeneDx Variant Classification (06012015). Collection method: clinical testing. Allele origin: germline. Affected: yes.
Comment: This variant is denoted RAD51C c.620A>G at the cDNA level, p.His207Arg (H207R) at the protein level, and results in the change of a Histidine to a Arginine (CAT>CGT). This variant has not, to our knowledge, been published in the literature as pathogenic or benign. This variant was not observed in approximately 6,500 individuals of European and African American ancestry in the NHLBI Exome Sequencing Project, suggesting it is not a common benign variant in these populations. Since Histidine and Arginine share similar properties, this is considered a conservative amino acid substitution. RAD51C His207Arg occurs at a position that is conserved in mammals and is located within the ATPase domain (Kim 2011). In silico analyses are inconsistent regarding the effect this variant may have on protein structure and function. Based on currently available evidence, it is unclear whether RAD51C His207Arg is a pathogenic or benign variant. We consider it to be a variant of uncertain significance.

Literature cited by the submitters: PubMed 26261251 (cited by Labcorp Genetics (formerly Invitae), Labcorp and Ambry Genetics).